The following is an entry in ClinVar:

ClinVar aggregate classification (germline): Uncertain significance (1 of 4 stars; one submission).

Submission:

Labcorp Genetics (formerly Invitae), Labcorp
Classification: Uncertain significance. Last evaluated: 2023-12-04. Review status: criteria provided, single submitter. Criteria: Invitae Variant Classification Sherloc (09022015). Collection method: clinical testing. Allele origin: germline.
Comment: This sequence change replaces valine, which is neutral and non-polar, with alanine, which is neutral and non-polar, at codon 244 of the COMP protein (p.Val244Ala). This variant is not present in population databases (gnomAD no frequency). This variant has not been reported in the literature in individuals affected with COMP-related conditions. Advanced modeling of protein sequence and biophysical properties (such as structural, functional, and spatial information, amino acid conservation, physicochemical variation, residue mobility, and thermodynamic stability) performed at Invitae indicates that this missense variant is not expected to disrupt COMP protein function with a negative predictive value of 95%. In summary, the available evidence is currently insufficient to determine the role of this variant in disease. Therefore, it has been classified as a Variant of Uncertain Significance.

NM_000095.3(COMP):c.731T>C (p.Val244Ala)

Gene: COMP (cartilage oligomeric matrix protein; minus strand). Cytogenetic location: 19p13.11.
Variant type: single nucleotide variant.
Coding change: c.731T>C on transcript NM_000095.3 (MANE Select); coding-DNA position 731, T replaced by C.
Protein change: p.Val244Ala; replaces valine 244 with alanine.
Molecular consequence: missense variant.
Genome position (GRCh38, 1-based): chr19:18,788,623, A>G on the plus strand (T>C on the coding strand, the complement: COMP is on the minus strand). VCF-style: chr19-18788623-A-G. GRCh37 (hg19) VCF-style: chr19-18899432-A-G.
Other names: short protein forms V244A.
Identifiers: ClinVar variation 2700931 (VCV002700931.3), dbSNP rs2512852281, ClinGen allele CA404893467.